The following is an entry in ClinVar:

NM_001256317.3(TMPRSS3):c.1170G>A (p.Thr390=)

Gene: TMPRSS3 (transmembrane serine protease 3; minus strand). Cytogenetic location: 21q22.3.
Variant type: single nucleotide variant.
Coding change: c.1170G>A on transcript NM_001256317.3 (MANE Select); coding-DNA position 1170, G replaced by A.
Protein change: p.Thr390=; no amino-acid change (threonine 390 retained).
Molecular consequence: synonymous variant.
Genome position (GRCh38, 1-based): chr21:42,376,562, C>T on the plus strand (G>A on the coding strand, the complement: TMPRSS3 is on the minus strand). VCF-style: chr21-42376562-C-T. GRCh37 (hg19) VCF-style: chr21-43796671-C-T.
Other names: c.1173G>A, p.Thr391= (NM_024022.4); c.792G>A, p.Thr264= (NM_032404.3).
Identifiers: ClinVar variation 2889630 (VCV002889630.16), dbSNP rs140620963, ClinGen allele CA10042316.
Genomic context (GRCh38, chr21:42,376,562, plus strand): 5'-CACCCTGCCACGGCCTCGCCCACCGCTGCGGCCCCGTACCTGGCAGCTGTCCACGCCACC[C>T]GTCAGGTAGCCCGCGCAGAGCATGGAGGGGGAGATGATGCCACCGTACACGTCCCTGTGG-3'
Protein context (NP_001243246.1, residues 380-400): SPSMLCAGYL[Thr390=]GGVDSCQGDS

ClinVar aggregate classification (germline): Likely benign. Review status: criteria provided, multiple submitters, no conflicts (2 of 4 stars). 2 submissions from 2 submitters: Likely benign (2). Last evaluated 2025-02-01.

Allele frequency attached by ClinVar (database versions not stated): gnomAD 0.00005; ExAC 0.00008; ESP Exome Variant Server 0.00008.
gnomAD v4.1: 74 of 1,613,510 alleles (0.0046%); highest among the groups gnomAD compares: Admixed American, 0.017%; no homozygotes.

Submissions (2):

CeGaT Center for Human Genetics Tuebingen
Classification: Likely benign. Last evaluated: 2025-02-01. Review status: criteria provided, single submitter. Criteria: CeGaT Center For Human Genetics Tuebingen Variant Classification Criteria Version 2. Collection method: clinical testing. Allele origin: germline. Affected: yes. Observed: 1 variant allele.
Comment: TMPRSS3: BP4, BP7

Labcorp Genetics (formerly Invitae), Labcorp
Classification: Likely benign. Last evaluated: 2024-01-31. Review status: criteria provided, single submitter. Criteria: Invitae Variant Classification Sherloc (09022015). Collection method: clinical testing. Allele origin: germline.